The following is an entry in ClinVar:

ClinVar aggregate classification (germline): Uncertain significance. Review status: criteria provided, multiple submitters, no conflicts (2 of 4 stars). 3 submissions from 3 submitters: Uncertain significance (3). Last evaluated 2022-11-28.

Conditions:
Epilepsy, familial temporal lobe, 1. Identifiers: Orphanet 101046, MedGen CN030884, MONDO:0700090, OMIM 600512.

Allele frequency attached by ClinVar (database versions not stated): gnomAD exomes below 0.00001 and 0.00001; TOPMed below 0.00001; ExAC 0.00001.
gnomAD v4.1: 6 of 1,612,876 alleles (0.00037%); highest among the groups gnomAD compares: Non-Finnish European, 0.00051%; no homozygotes.

Submissions (3):

GeneDx
Classification: Uncertain significance. Last evaluated: 2022-11-28. Review status: criteria provided, single submitter. Criteria: GeneDx Variant Classification Process June 2021. Collection method: clinical testing. Allele origin: germline. Affected: yes.
Comment: Not observed at significant frequency in large population cohorts (gnomAD); In silico analysis supports that this missense variant has a deleterious effect on protein structure/function; Has not been previously published as pathogenic or benign to our knowledge

Revvity Omics, Revvity
Classification: Uncertain significance. Last evaluated: 2022-05-09. Review status: criteria provided, single submitter. Criteria: ACMG Guidelines, 2015. Collection method: clinical testing. Allele origin: germline.

Mayo Clinic Laboratories, Mayo Clinic
Classification: Uncertain significance for Epilepsy, familial temporal lobe, 1. Last evaluated: 2016-08-22. Review status: criteria provided, single submitter. Criteria: ACMG Guidelines, 2015. Collection method: clinical testing. Allele origin: maternal.

NM_005097.4(LGI1):c.407G>A (p.Arg136Gln)

Gene: LGI1 (leucine rich glioma inactivated 1; plus strand). Cytogenetic location: 10q23.33.
Variant type: single nucleotide variant.
Coding change: c.407G>A on transcript NM_005097.4 (MANE Select); coding-DNA position 407, G replaced by A.
Protein change: p.Arg136Gln; replaces arginine 136 with glutamine.
Molecular consequence: missense variant. On other transcripts: intron variant (1).
Genome position (GRCh38, 1-based): chr10:93,777,593, G>A. VCF-style: chr10-93777593-G-A. GRCh37 (hg19) VCF-style: chr10-95537350-G-A.
Other names: c.407G>A, p.Arg136Gln (NM_001308275.2); c.288-12506G>A (NM_001308276.2); c.407G>A (NM_005097.2); short protein forms R136Q.
Identifiers: ClinVar variation 547865 (VCV000547865.9), dbSNP rs767254591, ClinGen allele CA5611086.